The following is an entry in ClinVar:

NM_152564.5(VPS13B):c.4416A>T (p.Gln1472His)

Gene: VPS13B (vacuolar protein sorting 13 homolog B; plus strand). Cytogenetic location: 8q22.2.
Variant type: single nucleotide variant.
Coding change: c.4416A>T on transcript NM_152564.5 (MANE Select); coding-DNA position 4416, A replaced by T.
Protein change: p.Gln1472His; replaces glutamine 1472 with histidine.
Molecular consequence: missense variant.
Genome position (GRCh38, 1-based): chr8:99,511,295, A>T. VCF-style: chr8-99511295-A-T. GRCh37 (hg19) VCF-style: chr8-100523523-A-T.
Other names: c.4491A>T, p.Gln1497His (NM_017890.5); short protein forms Q1472H, Q1497H.
Identifiers: ClinVar variation 955202 (VCV000955202.9), dbSNP rs1821776501, ClinGen allele CA371871580.

ClinVar aggregate classification (germline): Uncertain significance (1 of 4 stars; one submission).

Conditions:
Cohen syndrome (COH1). Also called: PEPPER SYNDROME; Cutis verticis gyrata, retinitis pigmentosa, and sensorineural deafness. Identifiers: Orphanet 193, MedGen C0265223, MONDO:0008999, OMIM 216550.

Allele frequency attached by ClinVar (database versions not stated): gnomAD exomes below 0.00001; gnomAD 0.00001.
gnomAD v4.1: 2 of 1,613,828 alleles (0.00012%); highest among the groups gnomAD compares: African/African-American, 0.0027%; no homozygotes.

Submission:

Labcorp Genetics (formerly Invitae), Labcorp
Classification: Uncertain significance for Cohen syndrome. Last evaluated: 2024-12-02. Review status: criteria provided, single submitter. Criteria: Invitae Variant Classification Sherloc (09022015). Collection method: clinical testing. Allele origin: germline.
Comment: This sequence change replaces glutamine, which is neutral and polar, with histidine, which is basic and polar, at codon 1497 of the VPS13B protein (p.Gln1497His). This variant is not present in population databases (gnomAD no frequency). This variant has not been reported in the literature in individuals affected with VPS13B-related conditions. ClinVar contains an entry for this variant (Variation ID: 955202). Invitae Evidence Modeling of protein sequence and biophysical properties (such as structural, functional, and spatial information, amino acid conservation, physicochemical variation, residue mobility, and thermodynamic stability) indicates that this missense variant is expected to disrupt VPS13B protein function with a positive predictive value of 80%. In summary, the available evidence is currently insufficient to determine the role of this variant in disease. Therefore, it has been classified as a Variant of Uncertain Significance.